The following is an entry in ClinVar:

ClinVar aggregate classification (germline): Pathogenic (1 of 4 stars; one submission).

Submission:

Labcorp Genetics (formerly Invitae), Labcorp
Classification: Pathogenic. Last evaluated: 2021-05-10. Review status: criteria provided, single submitter. Criteria: Invitae Variant Classification Sherloc (09022015). Collection method: clinical testing. Allele origin: germline.
Comment: For these reasons, this variant has been classified as Pathogenic. This variant disrupts the p.Val685 amino acid residue in PDE6A. Other variant(s) that disrupt this residue have been determined to be pathogenic (PMID: 21039428, 28157543). This suggests that this residue is clinically significant, and that variants that disrupt this residue are likely to be disease-causing. This variant has not been reported in the literature in individuals with PDE6A-related conditions. This variant results in the deletion of part of exon 17 (c.2033_2135+2646delins51) of the PDE6A gene. It is expected to disrupt RNA splicing. Variants that disrupt the donor or acceptor splice site typically lead to a loss of protein function (PMID: 16199547), and loss-of-function variants in PDE6A are known to be pathogenic (PMID: 7493036, 22128245, 23847139).

Literature cited by the submitters: PubMed 21039428; PubMed 28157543; PubMed 16199547; PubMed 7493036; PubMed 22128245; PubMed 23847139.

NC_000005.9:g.(?_149260346)_(149263094_?)del

Gene: PDE6A (phosphodiesterase 6A; minus strand). Cytogenetic location: 5q32.
Variant type: Deletion.
Identifiers: ClinVar variation 1457520 (VCV001457520.4).